The following is an entry in ClinVar:

NM_032638.5(GATA2):c.649C>A (p.Leu217Met)

Gene: GATA2 (GATA binding protein 2; minus strand). Cytogenetic location: 3q21.3.
Variant type: single nucleotide variant.
Coding change: c.649C>A on transcript NM_032638.5 (MANE Select); coding-DNA position 649, C replaced by A.
Protein change: p.Leu217Met; replaces leucine 217 with methionine.
Molecular consequence: missense variant.
Genome position (GRCh38, 1-based): chr3:128,485,949, G>T on the plus strand (C>A on the coding strand, the complement: GATA2 is on the minus strand). VCF-style: chr3-128485949-G-T. GRCh37 (hg19) VCF-style: chr3-128204792-G-T.
Other names: c.649C>A, p.Leu217Met (NM_001145661.2, NM_001145662.1); short protein forms L217M.
Identifiers: ClinVar variation 4262111 (VCV004262111.1).
Genomic context (GRCh38, chr3:128,485,949, plus strand): 5'-CCATAGTAGCTAGGCCTGGGCGCAGGGGACTGCCACTTTCCATCTTCATGCTCTCCGTCA[G>T]TGACACCTGGTACTTGACGCCGTCCTTGTCCTCTCCTCGGGCTGCACTACCCCCCGCGGA-3'
Protein context (NP_116027.2, residues 207-227): DKDGVKYQVS[Leu217Met]TESMKMESGS

ClinVar aggregate classification (germline): Uncertain significance (1 of 4 stars; one submission).

Conditions:
Inborn genetic diseases. Identifiers: MedGen C0950123, MeSH D030342.

Submission:

Ambry Genetics
Classification: Uncertain significance for Inborn genetic diseases. Last evaluated: 2025-06-24. Review status: criteria provided, single submitter. Criteria: Ambry Variant Classification Scheme 2023. Collection method: clinical testing. Allele origin: germline.
Comment: The p.L217M variant (also known as c.649C>A), located in coding exon 2 of the GATA2 gene, results from a C to A substitution at nucleotide position 649. The leucine at codon 217 is replaced by methionine, an amino acid with highly similar properties. This amino acid position is conserved. In addition, the in silico prediction for this alteration is inconclusive. Based on the available evidence, the clinical significance of this variant remains unclear.